The following is an entry in ClinVar:

NM_004093.4(EFNB2):c.614-8G>A

Genes: EFNB2 (ephrin B2; minus strand), LOC126861841 (CDK7 strongly-dependent group 2 enhancer GRCh37_chr13:107145476-107146675; plus strand). Cytogenetic location: 13q33.3.
Variant type: single nucleotide variant.
Coding change: c.614-8G>A on transcript NM_004093.4 (MANE Select); 8 bases into the intron before coding-DNA position 614, G replaced by A.
Molecular consequence: intron variant.
Genome position (GRCh38, 1-based): chr13:106,493,436, C>T on the plus strand (G>A on the coding strand, the complement: EFNB2 is on the minus strand). VCF-style: chr13-106493436-C-T. GRCh37 (hg19) VCF-style: chr13-107145784-C-T.
Other names: c.521-8G>A (NM_001372056.1); c.500-8G>A (NM_001372057.1).
Identifiers: ClinVar variation 3050238 (VCV003050238.2), dbSNP rs553183986, ClinGen allele CA7042711.

ClinVar aggregate classification (germline): Likely benign (0 of 4 stars; one submission).

Conditions:
EFNB2-related disorder. Also called: EFNB2-related condition.

Allele frequency attached by ClinVar (database versions not stated): gnomAD exomes 0.00008; ExAC 0.00009; TOPMed 0.00012; gnomAD 0.00013; 1000 Genomes Project 0.00020; 1000 Genomes Project 30x 0.00031.
gnomAD v4.1: 138 of 1,601,064 alleles (0.0086%); highest among the groups gnomAD compares: Middle Eastern, 0.033%; no homozygotes.

Submission:

PreventionGenetics, part of Exact Sciences
Classification: Likely benign for EFNB2-related condition. Last evaluated: 2019-07-12. Review status: no assertion criteria provided. Collection method: clinical testing. Allele origin: germline.
Comment: This variant is classified as likely benign based on ACMG/AMP sequence variant interpretation guidelines (Richards et al. 2015 PMID: 25741868, with internal and published modifications).